The following is an entry in ClinVar:

NM_003072.5(SMARCA4):c.580C>A (p.Gln194Lys)

Gene: SMARCA4 (SWI/SNF related BAF chromatin remodeling complex subunit ATPase 4; plus strand). Cytogenetic location: 19p13.2.
Variant type: single nucleotide variant.
Coding change: c.580C>A on transcript NM_003072.5 (MANE Select); coding-DNA position 580, C replaced by A.
Protein change: p.Gln194Lys; replaces glutamine 194 with lysine.
Molecular consequence: missense variant. On other transcripts: non-coding transcript variant (1).
Genome position (GRCh38, 1-based): chr19:10,986,413, C>A. VCF-style: chr19-10986413-C-A. GRCh37 (hg19) VCF-style: chr19-11097089-C-A.
Other names: c.580C>A, p.Gln194Lys (NM_001128844.3, NM_001128845.2, NM_001128846.2 and 5 more transcripts); short protein forms Q194K.
Identifiers: ClinVar variation 644053 (VCV000644053.8), dbSNP rs1599950960, ClinGen allele CA404056452.

ClinVar aggregate classification (germline): Uncertain significance (1 of 4 stars; one submission).

Conditions:
Rhabdoid tumor predisposition syndrome 2 (RTPS2). Identifiers: Orphanet 231108, Orphanet 69077, MedGen C2750074, MONDO:0013224, OMIM 613325.

Submission:

Labcorp Genetics (formerly Invitae), Labcorp
Classification: Uncertain significance for Rhabdoid tumor predisposition syndrome 2. Last evaluated: 2018-12-16. Review status: criteria provided, single submitter. Criteria: Invitae Variant Classification Sherloc (09022015). Collection method: clinical testing. Allele origin: germline.
Comment: This variant is not present in population databases (ExAC no frequency). This sequence change replaces glutamine with lysine at codon 194 of the SMARCA4 protein (p.Gln194Lys). The glutamine residue is highly conserved and there is a small physicochemical difference between glutamine and lysine. This variant has not been reported in the literature in individuals with SMARCA4-related conditions. In summary, the available evidence is currently insufficient to determine the role of this variant in disease. Therefore, it has been classified as a Variant of Uncertain Significance. Algorithms developed to predict the effect of missense changes on protein structure and function (SIFT, PolyPhen-2, Align-GVGD) all suggest that this variant is likely to be disruptive, but these predictions have not been confirmed by published functional studies and their clinical significance is uncertain.